The following is an entry in ClinVar:

NM_001605.3(AARS1):c.1538A>T (p.Lys513Met)

Gene: AARS1 (alanyl-tRNA synthetase 1; minus strand). Cytogenetic location: 16q22.1.
Variant type: single nucleotide variant.
Coding change: c.1538A>T on transcript NM_001605.3 (MANE Select); coding-DNA position 1538, A replaced by T.
Protein change: p.Lys513Met; replaces lysine 513 with methionine.
Molecular consequence: missense variant.
Genome position (GRCh38, 1-based): chr16:70,262,479, T>A on the plus strand (A>T on the coding strand, the complement: AARS1 is on the minus strand). VCF-style: chr16-70262479-T-A. GRCh37 (hg19) VCF-style: chr16-70296382-T-A.
Other names: short protein forms K513M.
Identifiers: ClinVar variation 3624616 (VCV003624616.2).

ClinVar aggregate classification (germline): Uncertain significance (1 of 4 stars; one submission).

Conditions:
Charcot-Marie-Tooth disease type 2. Also called: Charcot-Marie-Tooth type 2. Identifiers: Orphanet 64746, MedGen C0270914, MONDO:0018993.

Submission:

Labcorp Genetics (formerly Invitae), Labcorp
Classification: Uncertain significance for Charcot-Marie-Tooth disease type 2. Last evaluated: 2024-05-10. Review status: criteria provided, single submitter. Criteria: Invitae Variant Classification Sherloc (09022015). Collection method: clinical testing. Allele origin: germline.
Comment: This sequence change replaces lysine, which is basic and polar, with methionine, which is neutral and non-polar, at codon 513 of the AARS protein (p.Lys513Met). This variant is not present in population databases (gnomAD no frequency). This variant has not been reported in the literature in individuals affected with AARS-related conditions. Advanced modeling of protein sequence and biophysical properties (such as structural, functional, and spatial information, amino acid conservation, physicochemical variation, residue mobility, and thermodynamic stability) has been performed at Invitae for this missense variant, however the output from this modeling did not meet the statistical confidence thresholds required to predict the impact of this variant on AARS protein function. In summary, the available evidence is currently insufficient to determine the role of this variant in disease. Therefore, it has been classified as a Variant of Uncertain Significance.